The following is an entry in ClinVar:

NM_017617.5(NOTCH1):c.152C>A (p.Ala51Asp)

Gene: NOTCH1 (notch receptor 1; minus strand). Cytogenetic location: 9q34.3.
Variant type: single nucleotide variant.
Coding change: c.152C>A on transcript NM_017617.5 (MANE Select); coding-DNA position 152, C replaced by A.
Protein change: p.Ala51Asp; replaces alanine 51 with aspartic acid.
Molecular consequence: missense variant.
Genome position (GRCh38, 1-based): chr9:136,523,968, G>T on the plus strand (C>A on the coding strand, the complement: NOTCH1 is on the minus strand). VCF-style: chr9-136523968-G-T. GRCh37 (hg19) VCF-style: chr9-139418420-G-T.
Other names: c.152C>A, p.Ala51Asp (LRG_1122t1); short protein forms A51D.
Identifiers: ClinVar variation 644150 (VCV000644150.8), dbSNP rs771954465, ClinGen allele CA5342240.

ClinVar aggregate classification (germline): Uncertain significance (1 of 4 stars; one submission).

Conditions:
Adams-Oliver syndrome 5 (AOS5). Identifiers: Orphanet 974, MedGen C4014970, MONDO:0014459, OMIM 616028.

Allele frequency attached by ClinVar (database versions not stated): ExAC below 0.00001; gnomAD 0.00002; gnomAD exomes 0.00002; TOPMed 0.00002.
gnomAD v4.1: 23 of 1,553,652 alleles (0.0015%); highest among the groups gnomAD compares: Non-Finnish European, 0.0017%; no homozygotes.

Submission:

Labcorp Genetics (formerly Invitae), Labcorp
Classification: Uncertain significance for Adams-Oliver syndrome 5. Last evaluated: 2018-12-12. Review status: criteria provided, single submitter. Criteria: Invitae Variant Classification Sherloc (09022015). Collection method: clinical testing. Allele origin: germline.
Comment: This sequence change replaces alanine with aspartic acid at codon 51 of the NOTCH1 protein (p.Ala51Asp). The alanine residue is moderately conserved and there is a moderate physicochemical difference between alanine and aspartic acid. The frequency data for this variant in the population databases is considered unreliable, as metrics indicate poor data quality at this position in the ExAC database. This variant has not been reported in the literature in individuals with NOTCH1-related conditions. Algorithms developed to predict the effect of missense changes on protein structure and function output the following: SIFT: "Deleterious"; PolyPhen-2: "Benign"; Align-GVGD: "Class C0". The aspartic acid amino acid residue is found in multiple mammalian species, suggesting that this missense change does not adversely affect protein function. These predictions have not been confirmed by published functional studies and their clinical significance is uncertain. In summary, the available evidence is currently insufficient to determine the role of this variant in disease. Therefore, it has been classified as a Variant of Uncertain Significance.